The following is an entry in ClinVar:

NM_002087.4(GRN):c.946G>A (p.Glu316Lys)

Gene: GRN (granulin precursor; plus strand). Cytogenetic location: 17q21.31.
Variant type: single nucleotide variant.
Coding change: c.946G>A on transcript NM_002087.4 (MANE Select); coding-DNA position 946, G replaced by A.
Protein change: p.Glu316Lys; replaces glutamic acid 316 with lysine.
Molecular consequence: missense variant.
Genome position (GRCh38, 1-based): chr17:44,351,562, G>A. VCF-style: chr17-44351562-G-A. GRCh37 (hg19) VCF-style: chr17-42428930-G-A.
Other names: short protein forms E316K.
Identifiers: ClinVar variation 4792634 (VCV004792634.1).
Genomic context (GRCh38, chr17:44,351,562, plus strand): 5'-CAGGCAGCCGGGCCCCAGTGCCCACCTGCCCTTCTTCATCTGCCCTAGGCTGTGTGCTGT[G>A]AGGACCACATACACTGCTGTCCCGCGGGGTTTACGTGTGACACGCAGAAGGGTACCTGTG-3'
Protein context (NP_002078.1, residues 306-326): CCPFTQAVCC[Glu316Lys]DHIHCCPAGF

ClinVar aggregate classification (germline): Uncertain significance (1 of 4 stars; one submission).

Conditions:
Neuronal ceroid lipofuscinosis 11. Also called: GRN-Related Neuronal Ceroid-Lipofuscinosis. Identifiers: Orphanet 314629, Orphanet 79262, MedGen C3539123, MONDO:0013866, OMIM 614706.
GRN-related frontotemporal lobar degeneration with Tdp43 inclusions (FTD2). Also called: DEMENTIA, HEREDITARY DYSPHASIC DISINHIBITION; FRONTOTEMPORAL LOBAR DEGENERATION WITH UBIQUITIN-POSITIVE INCLUSIONS; FTLD-TDP, GRN-RELATED; GRN Frontotemporal Dementia; FRONTOTEMPORAL DEMENTIA WITH TDP43 INCLUSIONS, GRN-RELATED. Identifiers: Orphanet 100070, Orphanet 282, MedGen C1843792, MONDO:0011842, OMIM 607485. Disease mechanism: loss of function.

gnomAD v4.1: 1 of 1,614,074 alleles (0.000062%); highest among the groups gnomAD compares: Non-Finnish European, 0.000085%; no homozygotes.

Submission:

Labcorp Genetics (formerly Invitae), Labcorp
Classification: Uncertain significance for Neuronal ceroid lipofuscinosis 11; GRN-related frontotemporal lobar degeneration with Tdp43 inclusions. Last evaluated: 2025-09-15. Review status: criteria provided, single submitter. Criteria: Invitae Variant Classification Sherloc (09022015). Collection method: clinical testing. Allele origin: germline.
Comment: This sequence change replaces glutamic acid, which is acidic and polar, with lysine, which is basic and polar, at codon 316 of the GRN protein (p.Glu316Lys). This variant is not present in population databases (gnomAD no frequency). This variant has not been reported in the literature in individuals affected with GRN-related conditions. Invitae Evidence Modeling of protein sequence and biophysical properties (such as structural, functional, and spatial information, amino acid conservation, physicochemical variation, residue mobility, and thermodynamic stability) indicates that this missense variant is not expected to disrupt GRN protein function with a negative predictive value of 80%. In summary, the available evidence is currently insufficient to determine the role of this variant in disease. Therefore, it has been classified as a Variant of Uncertain Significance.